The following is an entry in ClinVar:

ClinVar aggregate classification (germline): Uncertain significance. Review status: criteria provided, multiple submitters, no conflicts (2 of 4 stars). 3 submissions from 3 submitters: Uncertain significance (3). Last evaluated 2025-01-07.

Conditions:
Renal cell carcinoma. Identifiers: Orphanet 217071, MedGen C0007134, MeSH D002292, MONDO:0005086, HP:0005584.
Hereditary cancer-predisposing syndrome. Also called: Hereditary Cancer Syndrome; Hereditary neoplastic syndrome; Neoplastic Syndromes, Hereditary; Tumor predisposition. Identifiers: Orphanet 140162, MedGen C0027672, MeSH D009386, MONDO:0015356.

Submissions (3):

Labcorp Genetics (formerly Invitae), Labcorp
Classification: Uncertain significance for Renal cell carcinoma. Last evaluated: 2025-01-07. Review status: criteria provided, single submitter. Criteria: Invitae Variant Classification Sherloc (09022015). Collection method: clinical testing. Allele origin: germline.
Comment: This sequence change replaces asparagine, which is neutral and polar, with aspartic acid, which is acidic and polar, at codon 315 of the MET protein (p.Asn315Asp). This variant is not present in population databases (gnomAD no frequency). This variant has not been reported in the literature in individuals affected with MET-related conditions. ClinVar contains an entry for this variant (Variation ID: 1766957). Invitae Evidence Modeling of protein sequence and biophysical properties (such as structural, functional, and spatial information, amino acid conservation, physicochemical variation, residue mobility, and thermodynamic stability) indicates that this missense variant is expected to disrupt MET protein function with a positive predictive value of 80%. In summary, the available evidence is currently insufficient to determine the role of this variant in disease. Therefore, it has been classified as a Variant of Uncertain Significance.

Quest Diagnostics Nichols Institute San Juan Capistrano
Classification: Uncertain significance. Last evaluated: 2024-09-25. Review status: criteria provided, single submitter. Criteria: Quest Diagnostics criteria. Collection method: clinical testing. Allele origin: unknown.
Comment: The MET c.943A>G (p.Asn315Asp) variant has not been reported in individuals with MET-related conditions in the published literature. It also has not been reported in large, multi-ethnic general populations (Genome Aggregation Database). Analysis of this variant using bioinformatics tools for the prediction of the effect of amino acid changes on protein structure and function yielded predictions that this variant is damaging. Based on the available information, we are unable to determine the clinical significance of this variant.

Ambry Genetics
Classification: Uncertain significance for Hereditary cancer-predisposing syndrome. Last evaluated: 2022-03-31. Review status: criteria provided, single submitter. Criteria: Ambry Variant Classification Scheme 2023. Collection method: clinical testing. Allele origin: germline.
Comment: The p.N315D variant (also known as c.943A>G), located in coding exon 1 of the MET gene, results from an A to G substitution at nucleotide position 943. The asparagine at codon 315 is replaced by aspartic acid, an amino acid with highly similar properties. This amino acid position is conserved. In addition, this alteration is predicted to be tolerated by in silico analysis. Since supporting evidence is limited at this time, the clinical significance of this alteration remains unclear.

NM_000245.4(MET):c.943A>G (p.Asn315Asp)

Gene: MET (MET proto-oncogene, receptor tyrosine kinase; plus strand). Cytogenetic location: 7q31.2.
Variant type: single nucleotide variant.
Coding change: c.943A>G on transcript NM_000245.4 (MANE Select); coding-DNA position 943, A replaced by G.
Protein change: p.Asn315Asp; replaces asparagine 315 with aspartic acid.
Molecular consequence: missense variant. On other transcripts: intron variant (1).
Genome position (GRCh38, 1-based): chr7:116,700,027, A>G. VCF-style: chr7-116700027-A-G. GRCh37 (hg19) VCF-style: chr7-116340081-A-G.
Other names: c.943A>G, p.Asn315Asp (NM_001127500.3, NM_001324401.3); c.-91+27450A>G (NM_001324402.2); c.943A>G (NM_001127500.2); short protein forms N315D.
Identifiers: ClinVar variation 1766957 (VCV001766957.9), dbSNP rs2116601398, ClinGen allele CA368970201.
Genomic context (GRCh38, chr7:116,700,027, plus strand): 5'-CCTCTGGAGTGTATTCTCACAGAAAAGAGAAAAAAGAGATCCACAAAGAAGGAAGTGTTT[A>G]ATATACTTCAGGCTGCGTATGTCAGCAAGCCTGGGGCCCAGCTTGCTAGACAAATAGGAG-3'
Protein context (NP_000236.2, residues 305-325): KKRSTKKEVF[Asn315Asp]ILQAAYVSKP